The following is an entry in ClinVar:

ClinVar aggregate classification (germline): Uncertain significance (1 of 4 stars; one submission).

Conditions:
Von Hippel-Lindau syndrome (VHLS). Also called: Von Hippel-Lindau; von Hippel–Lindau syndrome; VHL syndrome. Identifiers: Orphanet 892, MedGen C0019562, MONDO:0008667, OMIM 193300. Disease mechanism: loss of function.
Chuvash polycythemia. Also called: POLYCYTHEMIA, VHL-DEPENDENT. Identifiers: Orphanet 238557, MedGen C1837915, MONDO:0009892, OMIM 263400.

Allele frequency attached by ClinVar (database versions not stated): TOPMed below 0.00001.

Submission:

Labcorp Genetics (formerly Invitae), Labcorp
Classification: Uncertain significance for Von Hippel-Lindau syndrome; Chuvash polycythemia. Last evaluated: 2025-11-03. Review status: criteria provided, single submitter. Criteria: Invitae Variant Classification Sherloc (09022015). Collection method: clinical testing. Allele origin: germline.
Comment: This sequence change falls in intron 1 of the VHL gene. It is not expected to change the encoded amino acid sequence of the VHL protein. However, this sequence change falls within a cryptic exon in the VHL gene, known as exon E1’, which is naturally expressed at low levels in several human tissues (PMID: 29891534). This variant is not present in population databases (gnomAD no frequency). This variant has not been reported in the literature in individuals affected with VHL-related conditions. ClinVar contains an entry for this variant (Variation ID: 1040619). Studies have shown that this variant is associated with inconclusive levels of altered splicing (internal data). In summary, the available evidence is currently insufficient to determine the role of this variant in disease. Therefore, it has been classified as a Variant of Uncertain Significance.

Literature cited by the submitters: PubMed 29891534.

NM_000551.4(VHL):c.340+643G>A

Genes: VHL (von Hippel-Lindau tumor suppressor; plus strand), LOC107303340 (3p25 von Hippel-Lindau tumor suppressor, E3 ubiquitin protein ligase Alu-mediated recombination region; plus strand). Cytogenetic location: 3p25.3.
Variant type: single nucleotide variant.
Coding change: c.340+643G>A on transcript NM_000551.4 (MANE Select); 643 bases into the intron after coding-DNA position 340, G replaced by A.
Molecular consequence: intron variant. On other transcripts: synonymous variant (1).
Genome position (GRCh38, 1-based): chr3:10,142,830, G>A. VCF-style: chr3-10142830-G-A. GRCh37 (hg19) VCF-style: chr3-10184514-G-A.
Other names: c.408G>A, p.Gly136= (NM_001354723.2); c.340+643G>A (NM_198156.3).
Identifiers: ClinVar variation 1040619 (VCV001040619.12), dbSNP rs1165627970, ClinGen allele CA896160200.